The following is an entry in ClinVar:

ClinVar aggregate classification (germline): Uncertain significance (1 of 4 stars; one submission).

Submission:

Labcorp Genetics (formerly Invitae), Labcorp
Classification: Uncertain significance. Last evaluated: 2023-07-19. Review status: criteria provided, single submitter. Criteria: Invitae Variant Classification Sherloc (09022015). Collection method: clinical testing. Allele origin: germline.
Comment: In summary, the available evidence is currently insufficient to determine the role of this variant in disease. Therefore, it has been classified as a Variant of Uncertain Significance. Advanced modeling of protein sequence and biophysical properties (such as structural, functional, and spatial information, amino acid conservation, physicochemical variation, residue mobility, and thermodynamic stability) performed at Invitae indicates that this missense variant is not expected to disrupt PRPF3 protein function. ClinVar contains an entry for this variant (Variation ID: 1993038). This variant has not been reported in the literature in individuals affected with PRPF3-related conditions. This variant is not present in population databases (gnomAD no frequency). This sequence change replaces proline, which is neutral and non-polar, with threonine, which is neutral and polar, at codon 123 of the PRPF3 protein (p.Pro123Thr).

NM_004698.4(PRPF3):c.367C>A (p.Pro123Thr)

Gene: PRPF3 (pre-mRNA processing factor 3; plus strand). Cytogenetic location: 1q21.2.
Variant type: single nucleotide variant.
Coding change: c.367C>A on transcript NM_004698.4 (MANE Select); coding-DNA position 367, C replaced by A.
Protein change: p.Pro123Thr; replaces proline 123 with threonine.
Molecular consequence: missense variant. On other transcripts: 5 prime UTR variant (1), non-coding transcript variant (4).
Genome position (GRCh38, 1-based): chr1:150,328,410, C>A. VCF-style: chr1-150328410-C-A. GRCh37 (hg19) VCF-style: chr1-150300869-C-A.
Other names: c.-39C>A (NM_001350529.1); short protein forms P123T.
Identifiers: ClinVar variation 1993038 (VCV001993038.4), dbSNP rs782221917, ClinGen allele CA342288711.
Genomic context (GRCh38, chr1:150,328,410, plus strand): 5'-AAAGAATCATCAGGAGTAAAGAAGCGACGAATACCCCGTTTTGAGGAGGTGGAAGAAGAG[C>A]CAGAGGTGATCCCTGGGCCTCCATCAGAGAGCCCTGGCATGCTGACTAAGCTCCAGGTTA-3'
Protein context (NP_004689.1, residues 113-133): IPRFEEVEEE[Pro123Thr]EVIPGPPSES